The following is an entry in ClinVar:

NM_000875.5(IGF1R):c.55C>T (p.Leu19Phe)

Genes: IGF1R (insulin like growth factor 1 receptor; plus strand), IRAIN (IGF1R antisense imprinted non-protein coding RNA; minus strand). Cytogenetic location: 15q26.3.
Variant type: single nucleotide variant.
Coding change: c.55C>T on transcript NM_000875.5 (MANE Select); coding-DNA position 55, C replaced by T.
Protein change: p.Leu19Phe; replaces leucine 19 with phenylalanine.
Molecular consequence: missense variant. On other transcripts: non-coding transcript variant (1).
Genome position (GRCh38, 1-based): chr15:98,649,636, C>T. VCF-style: chr15-98649636-C-T. GRCh37 (hg19) VCF-style: chr15-99192865-C-T.
Other names: c.55C>T (NM_000875.3); c.55C>T, p.Leu19Phe (NM_001291858.2); short protein forms L19F.
Identifiers: ClinVar variation 2893790 (VCV002893790.4), dbSNP rs765477320, ClinGen allele CA7751707.

ClinVar aggregate classification (germline): Uncertain significance. Review status: criteria provided, multiple submitters, no conflicts (2 of 4 stars). 2 submissions from 2 submitters: Uncertain significance (2). Last evaluated 2025-01-17.

Conditions:
Inborn genetic diseases. Identifiers: MedGen C0950123, MeSH D030342.

Allele frequency attached by ClinVar (database versions not stated): ExAC 0.00001.
gnomAD v4.1: 18 of 1,605,474 alleles (0.0011%); highest among the groups gnomAD compares: African/African-American, 0.023%; no homozygotes.

Submissions (2):

Ambry Genetics
Classification: Uncertain significance for Inborn genetic diseases. Last evaluated: 2025-01-17. Review status: criteria provided, single submitter. Criteria: Ambry Variant Classification Scheme 2023. Collection method: clinical testing. Allele origin: germline.

Labcorp Genetics (formerly Invitae), Labcorp
Classification: Uncertain significance. Last evaluated: 2023-09-01. Review status: criteria provided, single submitter. Criteria: Invitae Variant Classification Sherloc (09022015). Collection method: clinical testing. Allele origin: germline.
Comment: This sequence change replaces leucine, which is neutral and non-polar, with phenylalanine, which is neutral and non-polar, at codon 19 of the IGF1R protein (p.Leu19Phe). This variant is present in population databases (rs765477320, gnomAD 0.03%). This variant has not been reported in the literature in individuals affected with IGF1R-related conditions. Algorithms developed to predict the effect of missense changes on protein structure and function output the following: SIFT: "Not Available"; PolyPhen-2: "Benign"; Align-GVGD: "Not Available". The phenylalanine amino acid residue is found in multiple mammalian species, which suggests that this missense change does not adversely affect protein function. In summary, the available evidence is currently insufficient to determine the role of this variant in disease. Therefore, it has been classified as a Variant of Uncertain Significance.